The following is an entry in ClinVar:

ClinVar aggregate classification (germline): Uncertain significance (1 of 4 stars; one submission).

Conditions:
Fanconi anemia (FA). Also called: Fanconi's anemia. Identifiers: Orphanet 84, MedGen C0015625, MeSH D005199, MONDO:0019391.

Submission:

Labcorp Genetics (formerly Invitae), Labcorp
Classification: Uncertain significance for Fanconi anemia. Last evaluated: 2025-12-30. Review status: criteria provided, single submitter. Criteria: Invitae Variant Classification Sherloc (09022015). Collection method: clinical testing. Allele origin: germline.
Comment: This sequence change replaces arginine, which is basic and polar, with glutamine, which is neutral and polar, at codon 1479 of the SLX4 protein (p.Arg1479Gln). This variant is present in population databases (rs745883026, gnomAD 0.004%). This variant has not been reported in the literature in individuals affected with SLX4-related conditions. An algorithm developed to predict the effect of missense changes on protein structure and function (PolyPhen-2) suggests that this variant is likely to be disruptive. In summary, the available evidence is currently insufficient to determine the role of this variant in disease. Therefore, it has been classified as a Variant of Uncertain Significance.

NM_032444.4(SLX4):c.4436G>A (p.Arg1479Gln)

Gene: SLX4 (SLX4 structure-specific endonuclease subunit; minus strand). Cytogenetic location: 16p13.3.
Variant type: single nucleotide variant.
Coding change: c.4436G>A on transcript NM_032444.4 (MANE Select); coding-DNA position 4436, G replaced by A.
Protein change: p.Arg1479Gln; replaces arginine 1479 with glutamine.
Molecular consequence: missense variant.
Genome position (GRCh38, 1-based): chr16:3,589,202, C>T on the plus strand (G>A on the coding strand, the complement: SLX4 is on the minus strand). VCF-style: chr16-3589202-C-T. GRCh37 (hg19) VCF-style: chr16-3639203-C-T.
Other names: short protein forms R1479Q.
Identifiers: ClinVar variation 4702217 (VCV004702217.1).